The following is an entry in ClinVar:

ClinVar aggregate classification (germline): Uncertain significance (1 of 4 stars; one submission).

Conditions:
TRIP12-related disorder. Also called: TRIP12-related condition.

Allele frequency attached by ClinVar (database versions not stated): gnomAD exomes below 0.00001.
gnomAD v4.1: 6 of 1,613,088 alleles (0.00037%); highest among the groups gnomAD compares: Non-Finnish European, 0.00042%; no homozygotes.

Submission:

PreventionGenetics, part of Exact Sciences
Classification: Uncertain significance for TRIP12-related condition. Last evaluated: 2023-01-05. Review status: criteria provided, single submitter. Criteria: ACMG Guidelines, 2015. Collection method: clinical testing. Allele origin: germline.
Comment: The TRIP12 c.971C>G variant is predicted to result in the amino acid substitution p.Ser324Cys. To our knowledge, this variant has not been reported in the literature. This variant is reported in 0.00088% of alleles in individuals of European (Non-Finnish) descent in gnomAD. At this time, the clinical significance of this variant is uncertain due to the absence of conclusive functional and genetic evidence.

NM_001348323.3(TRIP12):c.971C>G (p.Ser324Cys)

Gene: TRIP12 (thyroid hormone receptor interactor 12; minus strand). Cytogenetic location: 2q36.3.
Variant type: single nucleotide variant.
Coding change: c.971C>G on transcript NM_001348323.3 (MANE Select); coding-DNA position 971, C replaced by G.
Protein change: p.Ser324Cys; replaces serine 324 with cysteine.
Molecular consequence: missense variant. On other transcripts: intron variant (1).
Genome position (GRCh38, 1-based): chr2:229,858,828, G>C on the plus strand (C>G on the coding strand, the complement: TRIP12 is on the minus strand). VCF-style: chr2-229858828-G-C. GRCh37 (hg19) VCF-style: chr2-230723544-G-C.
Other names: c.971C>G, p.Ser324Cys (NM_001284214.2, NM_001348315.2, NM_001348319.1 and 13 more transcripts); c.845C>G, p.Ser282Cys (NM_001284215.2, NM_001348316.2, NM_001348317.1 and 3 more transcripts); c.884C>G, p.Ser295Cys (NM_001348332.1, NM_001348334.1); c.98+21154C>G (NM_001284216.2); short protein forms S282C, S295C, S324C.
Identifiers: ClinVar variation 2630018 (VCV002630018.1), dbSNP rs1341806653, ClinGen allele CA350893864.
Genomic context (GRCh38, chr2:229,858,828, plus strand): 5'-TTACTTGCTAATTTGGCCTGTAATCCAGAAGGTCCAGGTTTTGATGTCTCTGACTTAGAA[G>C]ACCCTGGAAGAGACAGTTTTGTTTTAGGAAGGCTAACTTTAGGGCTGAAACGAGCAGCCC-3'
Protein context (NP_001335252.1, residues 314-334): LPKTKLSLPG[Ser324Cys]SKSETSKPGP